The following is an entry in ClinVar:

ClinVar aggregate classification (germline): Likely benign (0 of 4 stars; one submission).

Conditions:
POLR1D-related disorder. Also called: POLR1D-related condition.

Allele frequency attached by ClinVar (database versions not stated): ESP Exome Variant Server 0.00023; gnomAD exomes 0.00002; ExAC 0.00004; TOPMed 0.00015; gnomAD 0.00015.
gnomAD v4.1: 45 of 1,611,812 alleles (0.0028%); highest among the groups gnomAD compares: African/African-American, 0.057%; no homozygotes.

Submission:

PreventionGenetics, part of Exact Sciences
Classification: Likely benign for POLR1D-related condition. Last evaluated: 2019-03-01. Review status: no assertion criteria provided. Collection method: clinical testing. Allele origin: germline.
Comment: This variant is classified as likely benign based on ACMG/AMP sequence variant interpretation guidelines (Richards et al. 2015 PMID: 25741868, with internal and published modifications).

NM_015972.4(POLR1D):c.66G>A (p.Glu22=)

Genes: POLR1D (RNA polymerase I and III subunit D; plus strand), LOC147380392 (uncharacterized LOC147380392; plus strand). Cytogenetic location: 13q12.2.
Variant type: single nucleotide variant.
Coding change: c.66G>A on transcript NM_015972.4 (MANE Select); coding-DNA position 66, G replaced by A.
Protein change: p.Glu22=; no amino-acid change (glutamic acid 22 retained).
Molecular consequence: synonymous variant. On other transcripts: intron variant (2).
Genome position (GRCh38, 1-based): chr13:27,622,914, G>A. VCF-style: chr13-27622914-G-A. GRCh37 (hg19) VCF-style: chr13-28197051-G-A.
Other names: c.66G>A, p.Glu22= (NM_001374407.1); c.-59+1774G>A (NM_001206559.2); c.26+905G>A (NM_152705.3).
Identifiers: ClinVar variation 3058432 (VCV003058432.2), dbSNP rs151041219, ClinGen allele CA6927254.